The following is an entry in ClinVar:

ClinVar aggregate classification (germline): Uncertain significance. Review status: criteria provided, multiple submitters, no conflicts (2 of 4 stars). 2 submissions from 2 submitters: Uncertain significance (2). Last evaluated 2025-08-24.

Conditions:
Tuberous sclerosis 1 (TSC1). Identifiers: Orphanet 805, MedGen C1854465, MONDO:0008612, OMIM 191100.
Hereditary cancer-predisposing syndrome. Also called: Neoplastic Syndromes, Hereditary; Hereditary neoplastic syndrome; Tumor predisposition; Hereditary Cancer Syndrome. Identifiers: Orphanet 140162, MedGen C0027672, MeSH D009386, MONDO:0015356.

Submissions (2):

Labcorp Genetics (formerly Invitae), Labcorp
Classification: Uncertain significance for Tuberous sclerosis 1. Last evaluated: 2025-08-24. Review status: criteria provided, single submitter. Criteria: Invitae Variant Classification Sherloc (09022015). Collection method: clinical testing. Allele origin: germline.
Comment: This sequence change replaces serine, which is neutral and polar, with arginine, which is basic and polar, at codon 777 of the TSC1 protein (p.Ser777Arg). This variant is not present in population databases (gnomAD no frequency). This variant has not been reported in the literature in individuals affected with TSC1-related conditions. ClinVar contains an entry for this variant (Variation ID: 534478). Invitae Evidence Modeling of protein sequence and biophysical properties (such as structural, functional, and spatial information, amino acid conservation, physicochemical variation, residue mobility, and thermodynamic stability) indicates that this missense variant is not expected to disrupt TSC1 protein function with a negative predictive value of 95%. In summary, the available evidence is currently insufficient to determine the role of this variant in disease. Therefore, it has been classified as a Variant of Uncertain Significance.

Ambry Genetics
Classification: Uncertain significance for Hereditary cancer-predisposing syndrome. Last evaluated: 2022-07-27. Review status: criteria provided, single submitter. Criteria: Ambry Variant Classification Scheme 2023. Collection method: clinical testing. Allele origin: germline.
Comment: The p.S777R variant (also known as c.2331C>G), located in coding exon 16 of the TSC1 gene, results from a C to G substitution at nucleotide position 2331. The serine at codon 777 is replaced by arginine, an amino acid with dissimilar properties. This amino acid position is conserved. In addition, the in silico prediction for this alteration is inconclusive. Since supporting evidence is limited at this time, the clinical significance of this alteration remains unclear.

NM_000368.5(TSC1):c.2331C>G (p.Ser777Arg)

Gene: TSC1 (TSC complex subunit 1; minus strand). Cytogenetic location: 9q34.13.
Variant type: single nucleotide variant.
Coding change: c.2331C>G on transcript NM_000368.5 (MANE Select); coding-DNA position 2331, C replaced by G.
Protein change: p.Ser777Arg; replaces serine 777 with arginine.
Molecular consequence: missense variant.
Genome position (GRCh38, 1-based): chr9:132,902,665, G>C on the plus strand (C>G on the coding strand, the complement: TSC1 is on the minus strand). VCF-style: chr9-132902665-G-C. GRCh37 (hg19) VCF-style: chr9-135778052-G-C.
Other names: c.2328C>G, p.Ser776Arg (NM_001162426.2); c.2178C>G, p.Ser726Arg (NM_001162427.2); c.1968C>G, p.Ser656Arg (NM_001362177.2); short protein forms S777R, S776R, S726R, S656R.
Identifiers: ClinVar variation 534478 (VCV000534478.12), dbSNP rs1554814967, ClinGen allele CA375359466.